The following is an entry in ClinVar:

ClinVar aggregate classification (germline): Uncertain significance (1 of 4 stars; one submission).

Allele frequency attached by ClinVar (database versions not stated): gnomAD exomes below 0.00001; gnomAD 0.00001; TOPMed 0.00002.
gnomAD v4.1: 3 of 1,614,096 alleles (0.00019%); highest among the groups gnomAD compares: African/African-American, 0.0027%; no homozygotes.

Submission:

GeneDx
Classification: Uncertain significance. Last evaluated: 2019-12-31. Review status: criteria provided, single submitter. Criteria: GeneDx Variant Classification Process June 2021. Collection method: clinical testing. Allele origin: germline. Affected: yes.
Comment: Not observed in large population cohorts (Lek et al., 2016); In silico analysis, which includes protein predictors and evolutionary conservation, supports that this variant does not alter protein structure/function; Has not been previously published as pathogenic or benign to our knowledge

NM_152722.5(HEPACAM):c.247A>G (p.Ile83Val)

Gene: HEPACAM (hepatic and glial cell adhesion molecule; minus strand). Cytogenetic location: 11q24.2.
Variant type: single nucleotide variant.
Coding change: c.247A>G on transcript NM_152722.5 (MANE Select); coding-DNA position 247, A replaced by G.
Protein change: p.Ile83Val; replaces isoleucine 83 with valine.
Molecular consequence: missense variant.
Genome position (GRCh38, 1-based): chr11:124,924,908, T>C on the plus strand (A>G on the coding strand, the complement: HEPACAM is on the minus strand). VCF-style: chr11-124924908-T-C. GRCh37 (hg19) VCF-style: chr11-124794804-T-C.
Other names: short protein forms I83V.
Identifiers: ClinVar variation 1311562 (VCV001311562.2), dbSNP rs1252028477, ClinGen allele CA383143491.
Genomic context (GRCh38, chr11:124,924,908, plus strand): 5'-CAAAGAGTCGGATACGGTCTCGATAGTCAGGCCGCAGGGTGCCGATGACCTCTGTGCCAA[T>C]GGACTGCACCACGGTCACTGGCTTGTCCCGCTTCAGCTGCCACTTCACTACAGGCCTGTC-3'
Protein context (NP_689935.2, residues 73-93): RDKPVTVVQS[Ile83Val]GTEVIGTLRP